The following is an entry in ClinVar:

ClinVar aggregate classification (germline): Uncertain significance. Review status: criteria provided, multiple submitters, no conflicts (2 of 4 stars). 2 submissions from 2 submitters: Uncertain significance (2). Last evaluated 2025-06-30.

Conditions:
Pyruvate dehydrogenase E3-binding protein deficiency (PDHXD). Also called: E3-Binding Protein (Component X) Deficiency; LACTIC ACIDEMIA DUE TO DEFECT IN LIPOYL-CONTAINING COMPONENT X OF THE PYRUVATE DEHYDROGENASE COMPLEX; Lacticacidemia due to PDX1 deficiency; PYRUVATE HYDROGENASE E3-BINDING PROTEIN DEFICIENCY. Identifiers: Orphanet 255182, MedGen C1855553, MONDO:0009503, OMIM 245349.

Allele frequency attached by ClinVar (database versions not stated): TOPMed below 0.00001; gnomAD 0.00001.
gnomAD v4.1: 1 of 143,662 alleles (0.0007%); highest among the groups gnomAD compares: Non-Finnish European, 0.0015%; no homozygotes.

Submissions (2):

GeneDx
Classification: Uncertain significance. Last evaluated: 2025-06-30. Review status: criteria provided, single submitter. Criteria: GeneDx Variant Classification Process June 2021. Collection method: clinical testing. Allele origin: germline. Affected: yes.
Comment: RNA studies found this variant activates an alternative splice donor site and inclusion of a 76 base pair pseudoexon between exons 8 and 9 (Bruhn et al. 2024); No data available from control populations to assess the frequency of this variant; In silico analysis suggests this variant may impact gene splicing.; This variant is associated with the following publications: (PMID: Bruhn_2024(article), 37644014, 39413893)

Genomic Medicine Center of Excellence, King Faisal Specialist Hospital and Research Centre
Classification: Uncertain significance for Pyruvate dehydrogenase E3-binding protein deficiency. Last evaluated: 2024-03-25. Review status: criteria provided, single submitter. Criteria: ACMG Guidelines, 2015. Collection method: clinical testing. Allele origin: germline.

NM_003477.3(PDHX):c.1023+2267A>G

Gene: PDHX (pyruvate dehydrogenase complex component X; plus strand). Cytogenetic location: 11p13.
Variant type: single nucleotide variant.
Coding change: c.1023+2267A>G on transcript NM_003477.3 (MANE Select); 2267 bases into the intron after coding-DNA position 1023, A replaced by G.
Molecular consequence: intron variant.
Genome position (GRCh38, 1-based): chr11:34,980,449, A>G. VCF-style: chr11-34980449-A-G. GRCh37 (hg19) VCF-style: chr11-35001996-A-G.
Other names: c.843+2267A>G (NM_001135024.2); c.343-4121A>G (NM_001166158.2).
Identifiers: ClinVar variation 3064939 (VCV003064939.2), dbSNP rs764832583, ClinGen allele CA220470318.